The following is an entry in ClinVar:

ClinVar aggregate classification (germline): Uncertain significance. Review status: criteria provided, multiple submitters, no conflicts (2 of 4 stars). 4 submissions from 4 submitters: Uncertain significance (4). Last evaluated 2025-10-17.

Conditions:
Inborn genetic diseases. Identifiers: MedGen C0950123, MeSH D030342.
Fraser syndrome 1 (FRASRS1). Also called: CRYPTOPHTHALMOS WITH OTHER MALFORMATIONS. Identifiers: Orphanet 2052, MedGen C4551480, MONDO:0054737, OMIM 219000.

Allele frequency attached by ClinVar (database versions not stated): gnomAD exomes below 0.00001 and 0.00001; ExAC 0.00002; TOPMed 0.00002; gnomAD 0.00003 and 0.00004.
gnomAD v4.1: 24 of 1,613,636 alleles (0.0015%); highest among the groups gnomAD compares: African/African-American, 0.004%; no homozygotes.

Submissions (4):

Ambry Genetics
Classification: Uncertain significance for Inborn genetic diseases. Last evaluated: 2025-10-17. Review status: criteria provided, single submitter. Criteria: Ambry Variant Classification Scheme 2023. Collection method: clinical testing. Allele origin: germline.
Comment: The c.8642C>T (p.P2881L) alteration is located in exon 58 (coding exon 58) of the FRAS1 gene. This alteration results from a C to T substitution at nucleotide position 8642, causing the proline (P) at amino acid position 2881 to be replaced by a leucine (L). Based on data from gnomAD, the T allele has an overall frequency of 0.001% (3/280348) total alleles studied. The highest observed frequency was 0.008% (2/24194) of African alleles. Based on insufficient or conflicting evidence, the clinical significance of this alteration remains unclear.

Fulgent Genetics
Classification: Uncertain significance for Fraser syndrome 1. Last evaluated: 2024-03-14. Review status: criteria provided, single submitter. Criteria: ACMG Guidelines, 2015. Collection method: clinical testing. Allele origin: germline.

GeneDx
Classification: Uncertain significance. Last evaluated: 2017-05-12. Review status: criteria provided, single submitter. Criteria: GeneDx Variant Classification (06012015). Collection method: clinical testing. Allele origin: germline. Affected: yes.
Comment: The P2881L variant in the FRAS1 gene has not been reported previously as a pathogenic variant, nor as a benign variant, to our knowledge. The P2881L variant is not observed at a significant frequency in large population cohorts (Lek et al., 2016; 1000 Genomes Consortium et al., 2015; Exome Variant Server). The P2881L variant is a semi-conservative amino acid substitution, which may impact secondary protein structure as these residues differ in some properties. This substitution occurs at a position that is conserved across species. In silico analysis predicts this variant is probably damaging to the protein structure/function. We interpret P2881L as a variant of uncertain significance.

Breakthrough Genomics
Classification: Uncertain significance. Review status: criteria provided, single submitter. Criteria: ACMG Guidelines, 2015. Collection method: not provided. Allele origin: germline. Inheritance: Autosomal recessive inheritance. Affected: yes.

NM_025074.7(FRAS1):c.8642C>T (p.Pro2881Leu)

Gene: FRAS1 (Fraser extracellular matrix complex subunit 1; plus strand). Cytogenetic location: 4q21.21.
Variant type: single nucleotide variant.
Coding change: c.8642C>T on transcript NM_025074.7 (MANE Select); coding-DNA position 8642, C replaced by T.
Protein change: p.Pro2881Leu; replaces proline 2881 with leucine.
Molecular consequence: missense variant.
Genome position (GRCh38, 1-based): chr4:78,482,425, C>T. VCF-style: chr4-78482425-C-T. GRCh37 (hg19) VCF-style: chr4-79403579-C-T.
Other names: short protein forms P2881L.
Identifiers: ClinVar variation 429857 (VCV000429857.6), dbSNP rs779660887, ClinGen allele CA2978456.